The following is an entry in ClinVar:

NM_152672.6(SLC51A):c.904C>T (p.Leu302Phe)

Gene: SLC51A (solute carrier family 51 member A; plus strand). Cytogenetic location: 3q29.
Variant type: single nucleotide variant.
Coding change: c.904C>T on transcript NM_152672.6 (MANE Select); coding-DNA position 904, C replaced by T.
Protein change: p.Leu302Phe; replaces leucine 302 with phenylalanine.
Molecular consequence: missense variant.
Genome position (GRCh38, 1-based): chr3:196,233,080, C>T. VCF-style: chr3-196233080-C-T. GRCh37 (hg19) VCF-style: chr3-195959951-C-T.
Other names: short protein forms L302F.
Identifiers: ClinVar variation 3038898 (VCV003038898.2), dbSNP rs530565206, ClinGen allele CA2779281.

ClinVar aggregate classification (germline): Likely benign (0 of 4 stars; one submission).

Conditions:
SLC51A-related disorder. Also called: SLC51A-related condition.

Allele frequency attached by ClinVar (database versions not stated): TOPMed 0.00007; gnomAD 0.00018; gnomAD exomes 0.00045; 1000 Genomes Project 30x 0.00047; 1000 Genomes Project 0.00060; ExAC 0.00089.
gnomAD v4.1: 674 of 1,614,170 alleles (0.042%); highest among the groups gnomAD compares: South Asian, 0.65%; 17 homozygotes.

Submission:

PreventionGenetics, part of Exact Sciences
Classification: Likely benign for SLC51A-related condition. Last evaluated: 2021-06-01. Review status: no assertion criteria provided. Collection method: clinical testing. Allele origin: germline.
Comment: This variant is classified as likely benign based on ACMG/AMP sequence variant interpretation guidelines (Richards et al. 2015 PMID: 25741868, with internal and published modifications).